The following is an entry in ClinVar:

NM_001384474.1(LOXHD1):c.2244+2T>G

Gene: LOXHD1 (lipoxygenase homology PLAT domains 1; minus strand). Cytogenetic location: 18q21.1.
Variant type: single nucleotide variant.
Coding change: c.2244+2T>G on transcript NM_001384474.1 (MANE Select); the canonical splice donor site of the intron after coding-DNA position 2244, T replaced by G.
Molecular consequence: splice donor variant.
Genome position (GRCh38, 1-based): chr18:46,569,440, A>C on the plus strand (T>G on the coding strand, the complement: LOXHD1 is on the minus strand). VCF-style: chr18-46569440-A-C. GRCh37 (hg19) VCF-style: chr18-44149403-A-C.
Other names: c.2244+2T>G (NM_144612.7).
Identifiers: ClinVar variation 505444 (VCV000505444.13), dbSNP rs1555681351, ClinGen allele CA402374677.

ClinVar aggregate classification (germline): Likely pathogenic. Review status: criteria provided, multiple submitters, no conflicts (2 of 4 stars). 2 submissions from 2 submitters: Likely pathogenic (2). Last evaluated 2023-03-26.

Conditions:
Rare genetic deafness. Identifiers: Orphanet 96210, MedGen C5680250.

Submissions (2):

Labcorp Genetics (formerly Invitae), Labcorp
Classification: Likely pathogenic. Last evaluated: 2023-03-26. Review status: criteria provided, single submitter. Criteria: Invitae Variant Classification Sherloc (09022015). Collection method: clinical testing. Allele origin: germline.
Comment: This sequence change affects a donor splice site in intron 16 of the LOXHD1 gene. It is expected to disrupt RNA splicing. Variants that disrupt the donor or acceptor splice site typically lead to a loss of protein function (PMID: 16199547), and loss-of-function variants in LOXHD1 are known to be pathogenic (PMID: 19732867, 21465660, 25792669). This variant is not present in population databases (gnomAD no frequency). In summary, the currently available evidence indicates that the variant is pathogenic, but additional data are needed to prove that conclusively. Therefore, this variant has been classified as Likely Pathogenic. Algorithms developed to predict the effect of sequence changes on RNA splicing suggest that this variant may disrupt the consensus splice site. ClinVar contains an entry for this variant (Variation ID: 505444). This variant has not been reported in the literature in individuals affected with LOXHD1-related conditions.

Laboratory for Molecular Medicine, Mass General Brigham Personalized Medicine
Classification: Likely pathogenic for Rare genetic deafness. Last evaluated: 2016-11-14. Review status: criteria provided, single submitter. Criteria: LMM Criteria. Collection method: clinical testing. Allele origin: germline. Inheritance: Autosomal recessive inheritance. Observed: 1 variant allele.
Comment: The c.2244+2T>G variant in LOXHD1 has not been previously reported in individual s with hearing loss or in large population studies. This variant occurs in the i nvariant region (+/- 1,2) of the splice consensus sequence and is predicted to c ause altered splicing leading to an abnormal or absent protein. Loss of functio n of the LOXHD1 gene is an established disease mechanism in autosomal recessive hearing loss. In summary, although additional studies are required to fully esta blish its clinical significance, this variant is likely pathogenic for autosomal recessive nonsyndromic hearing loss.

Literature cited by the submitters: PubMed 16199547 (cited by Labcorp Genetics (formerly Invitae), Labcorp); PubMed 19732867 (cited by Labcorp Genetics (formerly Invitae), Labcorp); PubMed 21465660 (cited by Labcorp Genetics (formerly Invitae), Labcorp); PubMed 25792669 (cited by Labcorp Genetics (formerly Invitae), Labcorp).